The following is an entry in ClinVar:

NM_001081.4(CUBN):c.8914G>A (p.Ala2972Thr)

Gene: CUBN (cubilin; minus strand). Cytogenetic location: 10p13.
Variant type: single nucleotide variant.
Coding change: c.8914G>A on transcript NM_001081.4 (MANE Select); coding-DNA position 8914, G replaced by A.
Protein change: p.Ala2972Thr; replaces alanine 2972 with threonine.
Molecular consequence: missense variant.
Genome position (GRCh38, 1-based): chr10:16,877,089, C>T on the plus strand (G>A on the coding strand, the complement: CUBN is on the minus strand). VCF-style: chr10-16877089-C-T. GRCh37 (hg19) VCF-style: chr10-16919088-C-T.
Other names: p.Ala2972Thr; short protein forms A2972T.
Identifiers: ClinVar variation 3591996 (VCV003591996.2).
Genomic context (GRCh38, chr10:16,877,089, plus strand): 5'-ACATGACGCTGTAACCTCTGATAATGTGCACGCCATCGTTGACACAGCTTCCCGTCACAG[C>T]GGAACGAGCTGGAAAAGGCATGGAACAACCGCATTATGATCAGAACCTACACAAACAATT-3'
Protein context (NP_001072.2, residues 2962-2982): FVSFHLEARS[Ala2972Thr]VTGSCVNDGV

ClinVar aggregate classification (germline): Uncertain significance. Review status: criteria provided, multiple submitters, no conflicts (2 of 4 stars). 2 submissions from 2 submitters: Uncertain significance (2). Last evaluated 2025-09-25.

Conditions:
Imerslund-Grasbeck syndrome type 1 (IGS1). Also called: MEGALOBLASTIC ANEMIA, 1; Megaloblastic anemia 1, Finnish type; Imerslund-Gräsbeck syndrome 1. Identifiers: MedGen C4016819, MONDO:0100156, OMIM 261100.
Proteinuria, chronic benign. Identifiers: MedGen C5394384, MONDO:0030042, OMIM 618884.

gnomAD v4.1: 32 of 1,612,970 alleles (0.002%); highest among the groups gnomAD compares: African/African-American, 0.008%; no homozygotes.

Submissions (2):

Mayo Clinic Laboratories, Mayo Clinic
Classification: Uncertain significance. Last evaluated: 2025-09-25. Review status: criteria provided, single submitter. Criteria: ACMG Guidelines, 2015. Collection method: clinical testing. Allele origin: germline. Observed: 1 variant allele.
Comment: BP4_strong

Fulgent Genetics
Classification: Uncertain significance for Imerslund-Grasbeck syndrome type 1; Proteinuria, chronic benign. Last evaluated: 2024-05-20. Review status: criteria provided, single submitter. Criteria: ACMG Guidelines, 2015. Collection method: clinical testing. Allele origin: germline.